The following is an entry in ClinVar:

ClinVar aggregate classification (germline): Uncertain significance (1 of 4 stars; one submission).

Conditions:
ARL6-related disorder. Also called: ARL6-related condition.

Submission:

PreventionGenetics, part of Exact Sciences
Classification: Uncertain significance for ARL6-related condition. Last evaluated: 2023-08-25. Review status: criteria provided, single submitter. Criteria: ACMG Guidelines, 2015. Collection method: clinical testing. Allele origin: germline.
Comment: The ARL6 c.118T>G variant is predicted to result in the amino acid substitution p.Ser40Ala. To our knowledge, this variant has not been reported in the literature or in a large population database, indicating this variant is rare. At this time, the clinical significance of this variant is uncertain due to the absence of conclusive functional and genetic evidence.

NM_001278293.3(ARL6):c.118T>G (p.Ser40Ala)

Gene: ARL6 (ARF like GTPase 6; plus strand). Cytogenetic location: 3q11.2.
Variant type: single nucleotide variant.
Coding change: c.118T>G on transcript NM_001278293.3 (MANE Select); coding-DNA position 118, T replaced by G.
Protein change: p.Ser40Ala; replaces serine 40 with alanine.
Molecular consequence: missense variant. On other transcripts: non-coding transcript variant (7).
Genome position (GRCh38, 1-based): chr3:97,768,225, T>G. VCF-style: chr3-97768225-T-G. GRCh37 (hg19) VCF-style: chr3-97487069-T-G.
Other names: c.118T>G, p.Ser40Ala (NM_001323513.2, NM_001323514.2, NM_032146.5 and 1 more transcripts); short protein forms S40A.
Identifiers: ClinVar variation 2629259 (VCV002629259.1), dbSNP rs1405939085, ClinGen allele CA353582788.